The following is an entry in ClinVar:

ClinVar aggregate classification (germline): Conflicting classifications of pathogenicity. Review status: criteria provided, conflicting classifications (1 of 4 stars). 4 submissions from 4 submitters: Uncertain significance (3); Likely benign (1). Last evaluated 2025-07-11.

Conditions:
Early-infantile DEE. Also called: Early infantile epileptic encephalopathy with suppression bursts; Early infantile epileptic encephalopathy; Ohtahara syndrome. Identifiers: Orphanet 1934, MedGen C0393706, MONDO:0800491.
Developmental and epileptic encephalopathy, 5 (DEE5). Identifiers: Orphanet 3451, MedGen C3150731, MONDO:0013277, OMIM 613477.

Allele frequency attached by ClinVar (database versions not stated): gnomAD 0.00001; gnomAD exomes 0.00001; TOPMed 0.00002.
gnomAD v4.1: 50 of 1,613,838 alleles (0.0031%); highest among the groups gnomAD compares: Non-Finnish European, 0.0042%; no homozygotes.

Submissions (4):

Women's Health and Genetics/Laboratory Corporation of America, LabCorp
Classification: Uncertain significance. Last evaluated: 2025-07-11. Review status: criteria provided, single submitter. Criteria: LabCorp Variant Classification Summary - May 2015. Collection method: clinical testing. Allele origin: germline.
Comment: Variant summary: SPTAN1 c.362G>T (p.Arg121Leu) results in a non-conservative amino acid change in the encoded protein sequence. Algorithms developed to predict the effect of missense changes on protein structure and function are either unavailable or do not agree on the potential impact of this missense change. Consensus agreement among computation tools predict no significant impact on normal splicing. However, these predictions have yet to be confirmed by functional studies. The variant allele was found at a frequency of 8e-06 in 251448 control chromosomes. The available data on variant occurrences in the general population are insufficient to allow any conclusion about variant significance. c.362G>T has been observed in individual(s) affected with Austism (An_2014). These report(s) do not provide unequivocal conclusions about association of the variant with Epileptic Encephalopathy, Early Infantile, 5. To our knowledge, no experimental evidence demonstrating an impact on protein function has been reported. The following publication has been ascertained in the context of this evaluation (PMID: 24893065). ClinVar contains an entry for this variant (Variation ID: 461222). Based on the evidence outlined above, the variant was classified as uncertain significance.

Labcorp Genetics (formerly Invitae), Labcorp
Classification: Uncertain significance for Early-infantile DEE. Last evaluated: 2025-03-20. Review status: criteria provided, single submitter. Criteria: Invitae Variant Classification Sherloc (09022015). Collection method: clinical testing. Allele origin: germline.
Comment: This sequence change replaces arginine, which is basic and polar, with leucine, which is neutral and non-polar, at codon 121 of the SPTAN1 protein (p.Arg121Leu). This variant is present in population databases (no rsID available, gnomAD 0.002%). This variant has not been reported in the literature in individuals affected with SPTAN1-related conditions. ClinVar contains an entry for this variant (Variation ID: 461222). An algorithm developed to predict the effect of missense changes on protein structure and function (PolyPhen-2) suggests that this variant is likely to be tolerated. In summary, the available evidence is currently insufficient to determine the role of this variant in disease. Therefore, it has been classified as a Variant of Uncertain Significance.

Genome-Nilou Lab
Classification: Uncertain significance for Developmental and epileptic encephalopathy, 5. Last evaluated: 2021-07-15. Review status: criteria provided, single submitter. Criteria: ACMG Guidelines, 2015. Collection method: clinical testing. Allele origin: germline. Affected: no.

GeneDx
Classification: Likely benign. Last evaluated: 2020-12-09. Review status: criteria provided, single submitter. Criteria: GeneDx Variant Classification Process June 2021. Collection method: clinical testing. Allele origin: germline. Affected: yes.
Comment: This variant is associated with the following publications: (PMID: 24893065)

Literature cited by the submitters: PubMed 24893065 (cited by Women's Health and Genetics/Laboratory Corporation of America, LabCorp).

NM_001130438.3(SPTAN1):c.362G>T (p.Arg121Leu)

Gene: SPTAN1 (spectrin alpha, non-erythrocytic 1; plus strand). Cytogenetic location: 9q34.11.
Variant type: single nucleotide variant.
Coding change: c.362G>T on transcript NM_001130438.3 (MANE Select); coding-DNA position 362, G replaced by T.
Protein change: p.Arg121Leu; replaces arginine 121 with leucine.
Molecular consequence: missense variant.
Genome position (GRCh38, 1-based): chr9:128,568,896, G>T. VCF-style: chr9-128568896-G-T. GRCh37 (hg19) VCF-style: chr9-131331175-G-T.
Other names: c.362G>T, p.Arg121Leu (NM_001195532.2, NM_001363759.2, NM_001363765.2 and 1 more transcripts); short protein forms R121L.
Identifiers: ClinVar variation 461222 (VCV000461222.16), dbSNP rs942861981, ClinGen allele CA200426935.